The following is an entry in ClinVar:

NM_001278512.2(AP3B2):c.2470G>A (p.Glu824Lys)

Genes: AP3B2 (adaptor related protein complex 3 subunit beta 2; minus strand), CPEB1-AS1 (CPEB1 antisense RNA 1; plus strand). Cytogenetic location: 15q25.2.
Variant type: single nucleotide variant.
Coding change: c.2470G>A on transcript NM_001278512.2 (MANE Select); coding-DNA position 2470, G replaced by A.
Protein change: p.Glu824Lys; replaces glutamic acid 824 with lysine.
Molecular consequence: missense variant.
Genome position (GRCh38, 1-based): chr15:82,663,587, C>T on the plus strand (G>A on the coding strand, the complement: AP3B2 is on the minus strand). VCF-style: chr15-82663587-C-T. GRCh37 (hg19) VCF-style: chr15-83332339-C-T.
Other names: c.2317G>A, p.Glu773Lys (NM_001278511.2); c.2413G>A, p.Glu805Lys (NM_004644.5); short protein forms E773K, E805K, E824K.
Identifiers: ClinVar variation 1438093 (VCV001438093.3), dbSNP rs2151428348, ClinGen allele CA393310159.

ClinVar aggregate classification (germline): Uncertain significance (1 of 4 stars; one submission).

gnomAD v4.1: 2 of 1,613,874 alleles (0.00012%); highest among the groups gnomAD compares: East Asian, 0.0022%; no homozygotes.

Submission:

Labcorp Genetics (formerly Invitae), Labcorp
Classification: Uncertain significance. Last evaluated: 2021-10-09. Review status: criteria provided, single submitter. Criteria: Invitae Variant Classification Sherloc (09022015). Collection method: clinical testing. Allele origin: germline.
Comment: This sequence change replaces glutamic acid with lysine at codon 805 of the AP3B2 protein (p.Glu805Lys). The glutamic acid residue is moderately conserved and there is a small physicochemical difference between glutamic acid and lysine. This variant is not present in population databases (ExAC no frequency). This variant has not been reported in the literature in individuals affected with AP3B2-related conditions. Algorithms developed to predict the effect of missense changes on protein structure and function (SIFT, PolyPhen-2, Align-GVGD) all suggest that this variant is likely to be tolerated. In summary, the available evidence is currently insufficient to determine the role of this variant in disease. Therefore, it has been classified as a Variant of Uncertain Significance.